The following is an entry in ClinVar:

NM_005359.6(SMAD4):c.956-17C>T

Gene: SMAD4 (SMAD family member 4; plus strand). Cytogenetic location: 18q21.2.
Variant type: single nucleotide variant.
Coding change: c.956-17C>T on transcript NM_005359.6 (MANE Select); 17 bases into the intron before coding-DNA position 956, C replaced by T.
Molecular consequence: intron variant.
Genome position (GRCh38, 1-based): chr18:51,065,406, C>T. VCF-style: chr18-51065406-C-T. GRCh37 (hg19) VCF-style: chr18-48591776-C-T.
Identifiers: ClinVar variation 1697820 (VCV001697820.14), dbSNP rs1315017766, ClinGen allele CA780227582.

ClinVar aggregate classification (germline): Likely benign. Review status: criteria provided, multiple submitters, no conflicts (2 of 4 stars). 4 submissions from 4 submitters: Likely benign (4). Last evaluated 2025-11-25.

Conditions:
Juvenile polyposis syndrome (JPS). Identifiers: Orphanet 2929, MedGen C0345893, MONDO:0017380, OMIM 174900.
Juvenile polyposis/hereditary hemorrhagic telangiectasia syndrome (JPHT). Also called: JP/HHT SYNDROME; JUVENILE POLYPOSIS WITH HEREDITARY HEMORRHAGIC TELANGIECTASIA; POLYPOSIS, GENERALIZED JUVENILE, WITH PULMONARY ARTERIOVENOUS MALFORMATION; TELANGIECTASIA, HEREDITARY HEMORRHAGIC, WITH JUVENILE POLYPOSIS COLI; Juvenile Polyposis Syndrome / Hereditary Hemorrhagic Telangiectasia (JPS/HHT). Identifiers: Orphanet 2929, MedGen C1832942, MONDO:0008278, OMIM 175050.

Allele frequency attached by ClinVar (database versions not stated): gnomAD exomes below 0.00001; TOPMed below 0.00001; gnomAD 0.00001.
gnomAD v4.1: 4 of 1,606,386 alleles (0.00025%); highest among the groups gnomAD compares: Non-Finnish European, 0.00026%; no homozygotes.

Submissions (4):

Women's Health and Genetics/Laboratory Corporation of America, LabCorp
Classification: Likely benign. Last evaluated: 2025-11-25. Review status: criteria provided, single submitter. Criteria: LabCorp Variant Classification Summary - May 2015. Collection method: clinical testing. Allele origin: germline.

Myriad Genetics, Inc.
Classification: Likely benign for Juvenile polyposis/hereditary hemorrhagic telangiectasia syndrome. Last evaluated: 2025-03-20. Review status: criteria provided, single submitter. Criteria: Myriad Autosomal Dominant, Autosomal Recessive and X-Linked Classification Criteria (2023). Collection method: clinical testing. Allele origin: unknown.
Comment: This variant is considered likely benign. This variant is intronic and is not expected to impact mRNA splicing.

Center for Genomic Medicine, Rigshospitalet, Copenhagen University Hospital
Classification: Likely benign. Last evaluated: 2025-03-04. Review status: criteria provided, single submitter. Criteria: ACMG Guidelines, 2015. Collection method: clinical testing. Allele origin: germline.

Labcorp Genetics (formerly Invitae), Labcorp
Classification: Likely benign for Juvenile polyposis syndrome. Last evaluated: 2024-06-11. Review status: criteria provided, single submitter. Criteria: Invitae Variant Classification Sherloc (09022015). Collection method: clinical testing. Allele origin: germline.